The following is an entry in ClinVar:

ClinVar aggregate classification (germline): Uncertain significance (1 of 4 stars; one submission).

Conditions:
Werner syndrome (WRN). Identifiers: Orphanet 902, MedGen C0043119, MONDO:0010196, OMIM 277700.

Allele frequency attached by ClinVar (database versions not stated): gnomAD exomes below 0.00001 and 0.00001.
gnomAD v4.1: 10 of 1,613,816 alleles (0.00062%); highest among the groups gnomAD compares: Non-Finnish European, 0.00085%; no homozygotes.

Submission:

Labcorp Genetics (formerly Invitae), Labcorp
Classification: Uncertain significance for Werner syndrome. Last evaluated: 2023-09-10. Review status: criteria provided, single submitter. Criteria: Invitae Variant Classification Sherloc (09022015). Collection method: clinical testing. Allele origin: germline.
Comment: In summary, the available evidence is currently insufficient to determine the role of this variant in disease. Therefore, it has been classified as a Variant of Uncertain Significance. An algorithm developed to predict the effect of missense changes on protein structure and function (PolyPhen-2) suggests that this variant is likely to be disruptive. ClinVar contains an entry for this variant (Variation ID: 665377). This variant has not been reported in the literature in individuals affected with WRN-related conditions. This variant is present in population databases (no rsID available, gnomAD 0.0009%). This sequence change replaces glycine, which is neutral and non-polar, with aspartic acid, which is acidic and polar, at codon 1429 of the WRN protein (p.Gly1429Asp).

NM_000553.6(WRN):c.4286G>A (p.Gly1429Asp)

Genes: WRN (WRN RecQ like helicase; plus strand), LOC126860342 (MED14-independent group 3 enhancer GRCh37_chr8:31029565-31030764; plus strand). Cytogenetic location: 8p12.
Variant type: single nucleotide variant.
Coding change: c.4286G>A on transcript NM_000553.6 (MANE Select); coding-DNA position 4286, G replaced by A.
Protein change: p.Gly1429Asp; replaces glycine 1429 with aspartic acid.
Molecular consequence: missense variant.
Genome position (GRCh38, 1-based): chr8:31,173,089, G>A. VCF-style: chr8-31173089-G-A. GRCh37 (hg19) VCF-style: chr8-31030605-G-A.
Other names: short protein forms G1429D.
Identifiers: ClinVar variation 665377 (VCV000665377.8), dbSNP rs1471724942, ClinGen allele CA370911918.
Genomic context (GRCh38, chr8:31,173,089, plus strand): 5'-TGTGGTTTGCCAAAGGAAGTGATACCAGCAAGAAATTAATGGACAAAACGAAAAGGGGAG[G>A]TCTTTTTAGTTAAGCTGGCAATTACCAGAACAATTATGTTTCTTGCTGTATTATAAGAGG-3'
Protein context (NP_000544.2, residues 1419-1432): KKLMDKTKRG[Gly1429Asp]LFS